The following is an entry in ClinVar:

NM_153614.4(DNAJB13):c.833T>C (p.Met278Thr)

Gene: DNAJB13 (DnaJ heat shock protein family (Hsp40) member B13; plus strand). Cytogenetic location: 11q13.4.
Variant type: single nucleotide variant.
Coding change: c.833T>C on transcript NM_153614.4 (MANE Select); coding-DNA position 833, T replaced by C.
Protein change: p.Met278Thr; replaces methionine 278 with threonine.
Molecular consequence: missense variant.
Genome position (GRCh38, 1-based): chr11:73,969,996, T>C. VCF-style: chr11-73969996-T-C. GRCh37 (hg19) VCF-style: chr11-73681041-T-C.
Other names: c.659T>C, p.Met220Thr (NM_001377263.1); short protein forms M278T, M220T.
Identifiers: ClinVar variation 1917064 (VCV001917064.4), dbSNP rs754776389, ClinGen allele CA6180917.
Genomic context (GRCh38, chr11:73,969,996, plus strand): 5'-GCTCCTTTCTTTCATCCTATTTCAGCCCCAAATACTTCAAGAAGGTGCCAGGGGAGGGGA[T>C]GCCATTGCCGGAGGACCCCACTAAGAAAGGGGATCTCTTCATCTTCTTCGACATCCAGTT-3'
Protein context (NP_705842.2, residues 268-288): KYFKKVPGEG[Met278Thr]PLPEDPTKKG

ClinVar aggregate classification (germline): Uncertain significance (1 of 4 stars; one submission).

Allele frequency attached by ClinVar (database versions not stated): ExAC 0.00004; gnomAD 0.00006.

Submission:

Labcorp Genetics (formerly Invitae), Labcorp
Classification: Uncertain significance. Last evaluated: 2022-02-24. Review status: criteria provided, single submitter. Criteria: Invitae Variant Classification Sherloc (09022015). Collection method: clinical testing. Allele origin: germline.
Comment: This sequence change replaces methionine, which is neutral and non-polar, with threonine, which is neutral and polar, at codon 278 of the DNAJB13 protein (p.Met278Thr). This variant is present in population databases (rs754776389, gnomAD 0.05%). This variant has not been reported in the literature in individuals affected with DNAJB13-related conditions. Algorithms developed to predict the effect of missense changes on protein structure and function are either unavailable or do not agree on the potential impact of this missense change (SIFT: "Deleterious"; PolyPhen-2: "Probably Damaging"; Align-GVGD: "Class C0"). In summary, the available evidence is currently insufficient to determine the role of this variant in disease. Therefore, it has been classified as a Variant of Uncertain Significance.